The following is an entry in ClinVar:

ClinVar aggregate classification (germline): Likely benign. Review status: criteria provided, multiple submitters, no conflicts (2 of 4 stars). 3 submissions from 3 submitters: Likely benign (3). Last evaluated 2025-09-22.

Conditions:
Mosaic variegated aneuploidy syndrome 2 (MVA2). Identifiers: Orphanet 1052, MedGen C3279843, MONDO:0013582, OMIM 614114.
Inborn genetic diseases. Identifiers: MedGen C0950123, MeSH D030342.

Allele frequency attached by ClinVar (database versions not stated): gnomAD exomes below 0.00001; ExAC 0.00001; gnomAD 0.00001; TOPMed 0.00002.
gnomAD v4.1: 7 of 1,613,892 alleles (0.00043%); highest among the groups gnomAD compares: Admixed American, 0.0067%; no homozygotes.

Submissions (3):

Labcorp Genetics (formerly Invitae), Labcorp
Classification: Likely benign for Mosaic variegated aneuploidy syndrome 2. Last evaluated: 2025-09-22. Review status: criteria provided, single submitter. Criteria: Invitae Variant Classification Sherloc (09022015). Collection method: clinical testing. Allele origin: germline.

Ambry Genetics
Classification: Likely benign for Inborn genetic diseases. Last evaluated: 2024-12-22. Review status: criteria provided, single submitter. Criteria: Ambry Variant Classification Scheme 2023. Collection method: clinical testing. Allele origin: germline.

CeGaT Center for Human Genetics Tuebingen
Classification: Likely benign. Last evaluated: 2022-03-01. Review status: criteria provided, single submitter. Criteria: CeGaT Center For Human Genetics Tuebingen Variant Classification Criteria Version 2. Collection method: clinical testing. Allele origin: germline. Affected: yes. Observed: 1 variant allele.
Comment: CEP57: BP4, BP7

NM_014679.5(CEP57):c.654T>C (p.His218=)

Gene: CEP57 (centrosomal protein 57; plus strand). Cytogenetic location: 11q21.
Variant type: single nucleotide variant.
Coding change: c.654T>C on transcript NM_014679.5 (MANE Select); coding-DNA position 654, T replaced by C.
Protein change: p.His218=; no amino-acid change (histidine 218 retained).
Molecular consequence: synonymous variant.
Genome position (GRCh38, 1-based): chr11:95,818,859, T>C. VCF-style: chr11-95818859-T-C. GRCh37 (hg19) VCF-style: chr11-95552023-T-C.
Other names: c.627T>C, p.His209= (NM_001243776.2); c.654T>C, p.His218= (NM_001243777.2); c.573T>C, p.His191= (NM_001363604.2); c.654T>C (NM_014679.4).
Identifiers: ClinVar variation 2041677 (VCV002041677.29), dbSNP rs758284146, ClinGen allele CA6239556.